The following is an entry in ClinVar:

ClinVar aggregate classification (germline): Uncertain significance. Review status: criteria provided, multiple submitters, no conflicts (2 of 4 stars). 2 submissions from 2 submitters: Uncertain significance (2). Last evaluated 2024-12-19.

Conditions:
Alstrom syndrome (ALMS). Identifiers: Orphanet 64, MedGen C0268425, MONDO:0008763, OMIM 203800.
Cardiovascular phenotype. Identifiers: MedGen CN230736.

Allele frequency attached by ClinVar (database versions not stated): gnomAD 0.00001; TOPMed 0.00001.
gnomAD v4.1: 8 of 1,613,678 alleles (0.0005%); highest among the groups gnomAD compares: Non-Finnish European, 0.00059%; no homozygotes.

Submissions (2):

Labcorp Genetics (formerly Invitae), Labcorp
Classification: Uncertain significance for Alstrom syndrome. Last evaluated: 2024-12-19. Review status: criteria provided, single submitter. Criteria: Invitae Variant Classification Sherloc (09022015). Collection method: clinical testing. Allele origin: germline.
Comment: This sequence change replaces threonine, which is neutral and polar, with alanine, which is neutral and non-polar, at codon 998 of the ALMS1 protein (p.Thr998Ala). This variant is present in population databases (no rsID available, gnomAD 0.0009%). This variant has not been reported in the literature in individuals affected with ALMS1-related conditions. ClinVar contains an entry for this variant (Variation ID: 1798538). Experimental studies and prediction algorithms are not available or were not evaluated, and the functional significance of this variant is currently unknown. In summary, the available evidence is currently insufficient to determine the role of this variant in disease. Therefore, it has been classified as a Variant of Uncertain Significance.

Ambry Genetics
Classification: Uncertain significance for Cardiovascular phenotype. Last evaluated: 2020-10-07. Review status: criteria provided, single submitter. Criteria: Ambry Variant Classification Scheme 2023. Collection method: clinical testing. Allele origin: germline.
Comment: The p.T998A variant (also known as c.2992A>G), located in coding exon 8 of the ALMS1 gene, results from an A to G substitution at . nucleotide position 2992. The threonine at codon 998 is replaced by alanine, an amino acid with similar properties. This amino acid position is not well conserved in available vertebrate species. In addition, this alteration is predicted to be tolerated by in silico analysis. Since supporting evidence is limited at this time, the clinical significance of this alteration remains unclear.

NM_001378454.1(ALMS1):c.2989A>G (p.Thr997Ala)

Gene: ALMS1 (ALMS1 centrosome and basal body associated protein; plus strand). Cytogenetic location: 2p13.1.
Variant type: single nucleotide variant.
Coding change: c.2989A>G on transcript NM_001378454.1 (MANE Select); coding-DNA position 2989, A replaced by G.
Protein change: p.Thr997Ala; replaces threonine 997 with alanine.
Molecular consequence: missense variant.
Genome position (GRCh38, 1-based): chr2:73,449,516, A>G. VCF-style: chr2-73449516-A-G. GRCh37 (hg19) VCF-style: chr2-73676643-A-G.
Other names: c.2992A>G, p.Thr998Ala (NM_015120.4); short protein forms T998A, T997A.
Identifiers: ClinVar variation 1798538 (VCV001798538.5), dbSNP rs909811330, ClinGen allele CA50392057.
Genomic context (GRCh38, chr2:73,449,516, plus strand): 5'-GAATCTCTGAAAATGTCTGCTATTCCTGGACTGACTGACCAGAAGACTGTCCCAACACCA[A>G]CAGTACCTTCAGGTTCCTTCTCACATAGAGAGAAGCCCAGTATTTTCTATCAACAGGAGT-3'
Protein context (NP_001365383.1, residues 987-1007): LTDQKTVPTP[Thr997Ala]VPSGSFSHRE